The following is an entry in ClinVar:

NM_000079.4(CHRNA1):c.1182T>A (p.Ser394Arg)

Gene: CHRNA1 (cholinergic receptor nicotinic alpha 1 subunit; minus strand). Cytogenetic location: 2q31.1.
Variant type: single nucleotide variant.
Coding change: c.1182T>A on transcript NM_000079.4 (MANE Select); coding-DNA position 1182, T replaced by A.
Protein change: p.Ser394Arg; replaces serine 394 with arginine.
Molecular consequence: missense variant.
Genome position (GRCh38, 1-based): chr2:174,748,640, A>T on the plus strand (T>A on the coding strand, the complement: CHRNA1 is on the minus strand). VCF-style: chr2-174748640-A-T. GRCh37 (hg19) VCF-style: chr2-175613368-A-T.
Other names: c.1257T>A, p.Ser419Arg (NM_001039523.3); c.1182T>A (NM_000079.3); short protein forms S394R, S419R.
Identifiers: ClinVar variation 1432829 (VCV001432829.11), dbSNP rs776811077, ClinGen allele CA1974350.

ClinVar aggregate classification (germline): Uncertain significance. Review status: criteria provided, multiple submitters, no conflicts (2 of 4 stars). 3 submissions from 3 submitters: Uncertain significance (3). Last evaluated 2025-09-01.

Conditions:
Lethal multiple pterygium syndrome (LMPS). Identifiers: Orphanet 33108, MedGen C1854678, MONDO:0009668, OMIM 253290.
Inborn genetic diseases. Identifiers: MedGen C0950123, MeSH D030342.

Allele frequency attached by ClinVar (database versions not stated): gnomAD exomes below 0.00001; ExAC 0.00001; gnomAD 0.00001; TOPMed 0.00002.
gnomAD v4.1: 5 of 1,614,038 alleles (0.00031%); highest among the groups gnomAD compares: Non-Finnish European, 0.00042%; no homozygotes.

Submissions (3):

Ambry Genetics
Classification: Uncertain significance for Inborn genetic diseases. Last evaluated: 2025-09-01. Review status: criteria provided, single submitter. Criteria: Ambry Variant Classification Scheme 2023. Collection method: clinical testing. Allele origin: germline.

Labcorp Genetics (formerly Invitae), Labcorp
Classification: Uncertain significance for Lethal multiple pterygium syndrome. Last evaluated: 2023-05-02. Review status: criteria provided, single submitter. Criteria: Invitae Variant Classification Sherloc (09022015). Collection method: clinical testing. Allele origin: germline.
Comment: This sequence change replaces serine, which is neutral and polar, with arginine, which is basic and polar, at codon 394 of the CHRNA1 protein (p.Ser394Arg). This variant is not present in population databases (gnomAD no frequency). This variant has not been reported in the literature in individuals affected with CHRNA1-related conditions. ClinVar contains an entry for this variant (Variation ID: 1432829). Advanced modeling of protein sequence and biophysical properties (such as structural, functional, and spatial information, amino acid conservation, physicochemical variation, residue mobility, and thermodynamic stability) performed at Invitae indicates that this missense variant is not expected to disrupt CHRNA1 protein function. In summary, the available evidence is currently insufficient to determine the role of this variant in disease. Therefore, it has been classified as a Variant of Uncertain Significance.

Revvity Omics, Revvity
Classification: Uncertain significance. Last evaluated: 2019-06-12. Review status: criteria provided, single submitter. Criteria: ACMG Guidelines, 2015. Collection method: clinical testing. Allele origin: germline.